The following is an entry in ClinVar:

ClinVar aggregate classification (germline): Benign. Review status: reviewed by expert panel (3 of 4 stars). 19 submissions from 19 submitters: Benign (1). 18 of the submissions do not count toward it. Last evaluated 2019-06-18.

Conditions:
Fanconi anemia, complementation group S (FANCS). Identifiers: MedGen C4554406, MONDO:0054748, OMIM 617883.
Breast-ovarian cancer, familial, susceptibility to, 1 (BROVCA1). Also called: OVARIAN CANCER, SUSCEPTIBILITY TO; BRCA1 Hereditary Breast and Ovarian Cancer. Identifiers: Orphanet 145, MedGen C2676676, MONDO:0011450, OMIM 604370. Disease mechanism: loss of function.
Familial cancer of breast. Also called: Hereditary breast cancer; BREAST CANCER, FAMILIAL; hereditary breast carcinoma. Identifiers: Orphanet 227535, MedGen C0346153, MONDO:0016419, OMIM 114480. Disease mechanism: loss of function.
BRCA1-related disorder. Also called: BRCA1-related condition.
Hereditary cancer-predisposing syndrome. Also called: Neoplastic Syndromes, Hereditary; Tumor predisposition; Hereditary Cancer Syndrome; Hereditary neoplastic syndrome. Identifiers: Orphanet 140162, MedGen C0027672, MeSH D009386, MONDO:0015356.
Breast and/or ovarian cancer. Identifiers: MedGen CN221562.
Hereditary breast ovarian cancer syndrome. Also called: Hereditary breast and/or ovarian cancer syndrome; Hereditary breast and ovarian cancer syndrome; Hereditary breast and ovarian cancer; Hereditary breast and ovarian cancer syndrome (HBOC); Breast and ovarian cancer; BRCA1- and BRCA2-Associated Hereditary Breast and Ovarian Cancer. Identifiers: Orphanet 145, MedGen C0677776, MeSH D061325, MONDO:0003582. Disease mechanism: loss of function.

Allele frequency attached by ClinVar (database versions not stated): gnomAD 0.00004 and 0.00003; ESP Exome Variant Server 0.00008; ExAC 0.00009; 1000 Genomes Project 30x 0.00016; 1000 Genomes Project 0.00020; TOPMed 0.00002.
gnomAD v4.1: 81 of 1,613,808 alleles (0.005%); highest among the groups gnomAD compares: Middle Eastern, 0.05%; no homozygotes.

Submissions (19):

Evidence-based Network for the Interpretation of Germline Mutant Alleles (ENIGMA)
Classification: Benign for Breast-ovarian cancer, familial, susceptibility to, 1. Last evaluated: 2019-06-18. Review status: reviewed by expert panel. Criteria: ENIGMA BRCA1/2 Classification Criteria (2017-06-29). Collection method: curation. Allele origin: germline.
Comment: IARC class based on posterior probability from multifactorial likelihood analysis, thresholds for class as per Plon et al. 2008 (PMID: 18951446). Class 1 based on posterior probability = 0.000273

CeGaT Center for Human Genetics Tuebingen
Classification: Likely benign. Last evaluated: 2026-08-01. Review status: criteria provided, single submitter. Criteria: CeGaT Center For Human Genetics Tuebingen Variant Classification Criteria Version 2. Collection method: clinical testing. Allele origin: germline. Affected: yes. Observed: 2 variant alleles. Not counted in ClinVar's aggregate classification.
Comment: BRCA1: BP2, BP4, BS2

Labcorp Genetics (formerly Invitae), Labcorp
Classification: Benign for Hereditary breast ovarian cancer syndrome. Last evaluated: 2026-01-21. Review status: criteria provided, single submitter. Criteria: Invitae Variant Classification Sherloc (09022015). Collection method: clinical testing. Allele origin: germline. Not counted in ClinVar's aggregate classification.

Dasa
Classification: Likely benign for Breast-ovarian cancer, familial, susceptibility to, 1. Last evaluated: 2025-11-10. Review status: criteria provided, single submitter. Criteria: DASA Assertion Criteria. Collection method: clinical testing. Allele origin: germline. Not counted in ClinVar's aggregate classification.
Comment: NM_007294.4(BRCA1):c.1616C>T (p.Thr539Met) is interpreted based on available population and clinical evidence, including population frequency and no convincing observation in affected individuals. Based on the available data, this variant is classified as likely benign.

Center for Genomic Medicine, Rigshospitalet, Copenhagen University Hospital
Classification: Benign. Last evaluated: 2025-03-04. Review status: criteria provided, single submitter. Criteria: ACMG Guidelines, 2015. Collection method: clinical testing. Allele origin: germline. Not counted in ClinVar's aggregate classification.

Blueprint Genetics
Classification: Likely benign. Last evaluated: 2024-10-23. Review status: criteria provided, single submitter. Criteria: ACMG Guidelines, 2015. Collection method: clinical testing. Allele origin: germline. Not counted in ClinVar's aggregate classification.

CHEO Genetics Diagnostic Laboratory, Children's Hospital of Eastern Ontario
Classification: Likely benign for Breast and/or ovarian cancer. Last evaluated: 2023-06-01. Review status: criteria provided, single submitter. Criteria: ACMG Guidelines, 2015. Collection method: clinical testing. Allele origin: germline. Not counted in ClinVar's aggregate classification.

Department of Pathology and Laboratory Medicine, Sinai Health System
Classification: Likely benign for Familial cancer of breast; Breast-ovarian cancer, familial, susceptibility to, 1; Fanconi anemia, complementation group S. Last evaluated: 2022-12-13. Review status: criteria provided, single submitter. Criteria: ACMG Guidelines, 2015. Collection method: clinical testing. Allele origin: germline. Affected: yes. Not counted in ClinVar's aggregate classification.

Laboratory for Molecular Medicine, Mass General Brigham Personalized Medicine
Classification: Likely benign. Last evaluated: 2022-05-20. Review status: criteria provided, single submitter. Criteria: ACMG Guidelines, 2015. Collection method: clinical testing. Allele origin: germline. Not counted in ClinVar's aggregate classification.
Comment: The p.Thr539Met variant in BRCA1 is classified as likely benign due to a lack of conservation across species. >20 mammals carry a Methionine at this position despite high nearby amino acid conservation. In addition, computational prediction tools predict that this variant does not impact the protein. It has been identified in 0.04% (13/30592) of South Asian chromosomes by gnomAD. This variant was classified as Benign on June 18, 2019 by the ClinGen-approved ENIGMA expert panel (Variation ID 54310). ACMG/AMP Criteria applied: BP4_Strong, BS1.

Sema4
Classification: Likely benign for Hereditary cancer-predisposing syndrome. Last evaluated: 2021-11-27. Review status: criteria provided, single submitter. Criteria: Sema4 Curation Guidelines. Collection method: curation. Allele origin: germline. Not counted in ClinVar's aggregate classification.

Quest Diagnostics Nichols Institute San Juan Capistrano
Classification: Likely benign. Last evaluated: 2020-02-03. Review status: criteria provided, single submitter. Criteria: Quest Diagnostics criteria. Collection method: clinical testing. Allele origin: unknown. Not counted in ClinVar's aggregate classification.

GeneDx
Classification: Likely benign. Last evaluated: 2019-12-12. Review status: criteria provided, single submitter. Criteria: GeneDx Variant Classification Process June 2021. Collection method: clinical testing. Allele origin: germline. Affected: yes. Not counted in ClinVar's aggregate classification.
Comment: This variant is associated with the following publications: (PMID: 12491499, 24728327, 15235020, 26535628, 25801821, 20167696, 27616075, 29297111, 30287823, 31131967, 31825140, 33087888)

Ambry Genetics
Classification: Likely benign for Hereditary cancer-predisposing syndrome. Last evaluated: 2019-02-01. Review status: criteria provided, single submitter. Criteria: Ambry Variant Classification Scheme 2023. Collection method: clinical testing. Allele origin: germline. Not counted in ClinVar's aggregate classification.

Color Diagnostics, LLC DBA Color Health
Classification: Benign for Hereditary cancer-predisposing syndrome. Last evaluated: 2016-11-14. Review status: criteria provided, single submitter. Criteria: ACMG Guidelines, 2015. Collection method: clinical testing. Allele origin: germline. Not counted in ClinVar's aggregate classification.

Women's Health and Genetics/Laboratory Corporation of America, LabCorp
Classification: Benign. Last evaluated: 2016-03-17. Review status: criteria provided, single submitter. Criteria: LabCorp Variant Classification Summary - May 2015. Collection method: clinical testing. Allele origin: germline. Not counted in ClinVar's aggregate classification.
Comment: Variant Summary: The variant of interest causes a misense change involving a non-conserved nucleotide with 3/4 in silico programs (SNPs&GO not captured here due to low reliability index) predict a "benign" outcome, although these predictions have yet to be functionally assessed. The variant of interest was observed in the large, broad control population, ExAC, with an allele frequency of 11/120938 (1/10993), predominantly in the South Asian cohort, 9/16496 (1/1832), which does not exceed the predicted maximum expected allele frequency for a pathogenic BRCA1 variant of 1/1000. The variant of interest has been reported in multiple affected individuals via publications and databases, which indicate the variant to co-occur with pathogenic BRCA1 variants, c.1687C>T (p.Gln563X - classified as pathogenic by LCA) and c.5030_5033delCTAA (p.Thr1677IlefsX2 - classified as pathogenic by LCA) and 3 different BRCA2 variants, c.2808_2811delACAA(p.Lys936_Gln937?fs) c.6037A>T (p.Lys2013Ter) and c.3975_3978dupTGCT (p.Ala1327fsX4), indicating a benign role. In addition, multiple reputable clinical laboratories cite the variant as "likely benign." Therefore, taking all available lines of evidence into consideration, the variant of interest is classified as Benign.

PreventionGenetics, part of Exact Sciences
Classification: Likely benign for BRCA1-related condition. Last evaluated: 2020-09-09. Review status: no assertion criteria provided. Collection method: clinical testing. Allele origin: germline. Not counted in ClinVar's aggregate classification.
Comment: This variant is classified as likely benign based on ACMG/AMP sequence variant interpretation guidelines (Richards et al. 2015 PMID: 25741868, with internal and published modifications).

Counsyl
Classification: Uncertain significance for Breast-ovarian cancer, familial, susceptibility to, 1. Last evaluated: 2016-06-28. Review status: no assertion criteria provided. Collection method: clinical testing. Allele origin: unknown. Not counted in ClinVar's aggregate classification.

ITMI
No classification provided. Condition: AllHighlyPenetrant. Last evaluated: 2013-09-19. Review status: no classification provided. Collection method: reference population. Allele origin: germline. Not counted in ClinVar's aggregate classification.
Comment: Please see associated publication for description of ethnicities

Breast Cancer Information Core (BIC) (BRCA1)
Classification: Uncertain significance for Breast-ovarian cancer, familial 1. Last evaluated: 2002-05-29. Review status: no assertion criteria provided. Collection method: clinical testing. Allele origin: germline. Affected: yes. Observed: 8 variant alleles. Not counted in ClinVar's aggregate classification.

Literature cited by the submitters: PubMed 31131967 (cited by Evidence-based Network for the Interpretation of Germline Mutant Alleles (ENIGMA)); PubMed 33471991 (cited by Department of Pathology and Laboratory Medicine, Sinai Health System); PubMed 27616075 (cited by Sema4 and Quest Diagnostics Nichols Institute San Juan Capistrano); PubMed 30287823 (cited by Sema4 and Quest Diagnostics Nichols Institute San Juan Capistrano); PubMed 29297111 (cited by Sema4 and Quest Diagnostics Nichols Institute San Juan Capistrano); PubMed 25948282 (cited by 3 submitters); PubMed 24728327 (cited by 4 submitters); PubMed 16267036 (cited by 3 submitters); PubMed 12491499 (cited by 3 submitters); PubMed 25348012 (cited by Quest Diagnostics Nichols Institute San Juan Capistrano and Counsyl); PubMed 15235020 (cited by 4 submitters); PubMed 26535628 (cited by 3 submitters); PubMed 15001988 (cited by Women's Health and Genetics/Laboratory Corporation of America, LabCorp); PubMed 12531920 (cited by Women's Health and Genetics/Laboratory Corporation of America, LabCorp); PubMed 15385441 (cited by Women's Health and Genetics/Laboratory Corporation of America, LabCorp and Counsyl); PubMed 20167696 (cited by Women's Health and Genetics/Laboratory Corporation of America, LabCorp).

NM_007294.4(BRCA1):c.1616C>T (p.Thr539Met)

Gene: BRCA1 (BRCA1 DNA repair associated; minus strand). Cytogenetic location: 17q21.31.
Variant type: single nucleotide variant.
Coding change: c.1616C>T on transcript NM_007294.4 (MANE Select); coding-DNA position 1616, C replaced by T.
Protein change: p.Thr539Met; replaces threonine 539 with methionine.
Molecular consequence: missense variant. On other transcripts: intron variant (137).
Genome position (GRCh38, 1-based): chr17:43,093,915, G>A on the plus strand (C>T on the coding strand, the complement: BRCA1 is on the minus strand). VCF-style: chr17-43093915-G-A. GRCh37 (hg19) VCF-style: chr17-41245932-G-A.
Other names: p.T539M:ACG>ATG; c.1403C>T, p.Thr468Met (NM_001407571.1, NM_001407915.1, NM_001407853.1 and 9 more transcripts); c.1616C>T, p.Thr539Met (NM_001407581.1, NM_001407582.1, NM_001407583.1 and 30 more transcripts); c.1613C>T, p.Thr538Met (NM_001407587.1, NM_001407590.1, NM_001407591.1 and 22 more transcripts); c.1490C>T, p.Thr497Met (NM_001407649.1, NM_001407670.1, NM_001407671.1 and 11 more transcripts); c.1538C>T, p.Thr513Met (NM_001407653.1, NM_001407654.1, NM_001407655.1 and 4 more transcripts); c.1535C>T, p.Thr512Met (NM_001407659.1, NM_001407660.1, NM_001407661.1 and 1 more transcripts); c.1493C>T, p.Thr498Met (NM_001407674.1, NM_001407675.1, NM_001407676.1 and 19 more transcripts); and 41 more; short protein forms T539M, T492M, T371M, T412M, T469M, T512M, T513M, T538M.
Identifiers: ClinVar variation 54310 (VCV000054310.56), dbSNP rs80357374, ClinGen allele CA001075.